The following is an entry in ClinVar:

NM_006445.4(PRPF8):c.3418A>G (p.Met1140Val)

Gene: PRPF8 (pre-mRNA processing factor 8; minus strand). Cytogenetic location: 17p13.3.
Variant type: single nucleotide variant.
Coding change: c.3418A>G on transcript NM_006445.4 (MANE Select); coding-DNA position 3418, A replaced by G.
Protein change: p.Met1140Val; replaces methionine 1140 with valine.
Molecular consequence: missense variant.
Genome position (GRCh38, 1-based): chr17:1,673,774, T>C on the plus strand (A>G on the coding strand, the complement: PRPF8 is on the minus strand). VCF-style: chr17-1673774-T-C. GRCh37 (hg19) VCF-style: chr17-1577068-T-C.
Other names: c.3418A>G (NM_006445.3); short protein forms M1140V.
Identifiers: ClinVar variation 4932511 (VCV004932511.2).

ClinVar aggregate classification (germline): Uncertain significance. Review status: criteria provided, multiple submitters, no conflicts (2 of 4 stars). 2 submissions from 2 submitters: Uncertain significance (2). Last evaluated 2026-03-04.

Conditions:
PRPF8-related disorder. Also called: PRPF8-related condition.

Submissions (2):

PreventionGenetics, part of Exact Sciences
Classification: Uncertain significance for PRPF8-related condition. Last evaluated: 2026-03-04. Review status: criteria provided, single submitter. Criteria: ACMG Guidelines, 2015. Collection method: clinical testing. Allele origin: germline.
Comment: The PRPF8 c.3418A>G variant is predicted to result in the amino acid substitution p.Met1140Val. To our knowledge, this variant has not been reported in the literature or in a large population database (gnomAD), indicating this variant is rare. At this time, the clinical significance of this variant is uncertain due to the absence of conclusive functional and genetic evidence.

Blueprint Genetics
Classification: Uncertain significance. Last evaluated: 2019-06-26. Review status: criteria provided, single submitter. Criteria: ACMG Guidelines, 2015. Collection method: clinical testing. Allele origin: germline.